The following is an entry in ClinVar:

ClinVar aggregate classification (germline): Uncertain significance (1 of 4 stars; one submission).

Conditions:
Cardiovascular phenotype. Identifiers: MedGen CN230736.

Submission:

Ambry Genetics
Classification: Uncertain significance for Cardiovascular phenotype. Last evaluated: 2023-04-28. Review status: criteria provided, single submitter. Criteria: Ambry Variant Classification Scheme 2023. Collection method: clinical testing. Allele origin: germline.
Comment: The p.G898V variant (also known as c.2693G>T), located in coding exon 21 of the RASA1 gene, results from a G to T substitution at nucleotide position 2693. The glycine at codon 898 is replaced by valine, an amino acid with dissimilar properties. This amino acid position is conserved. In addition, this alteration is predicted to be deleterious by in silico analysis. Since supporting evidence is limited at this time, the clinical significance of this alteration remains unclear.

NM_002890.3(RASA1):c.2693G>T (p.Gly898Val)

Genes: CCNH (cyclin H; minus strand), RASA1 (RAS p21 protein activator 1; plus strand). Cytogenetic location: 5q14.3.
Variant type: single nucleotide variant.
Coding change: c.2693G>T on transcript NM_002890.3 (MANE Select); coding-DNA position 2693, G replaced by T.
Protein change: p.Gly898Val; replaces glycine 898 with valine.
Molecular consequence: missense variant. On other transcripts: intron variant (1).
Genome position (GRCh38, 1-based): chr5:87,383,715, G>T. VCF-style: chr5-87383715-G-T. GRCh37 (hg19) VCF-style: chr5-86679532-G-T.
Other names: c.2162G>T, p.Gly721Val (NM_022650.3); c.933+11329C>A (NM_001364075.2); short protein forms G721V, G898V.
Identifiers: ClinVar variation 2568107 (VCV002568107.2), dbSNP rs2531373860, ClinGen allele CA360386254.